The following is an entry in ClinVar:

ClinVar aggregate classification (germline): Uncertain significance (1 of 4 stars; one submission).

Conditions:
Malignant hyperthermia, susceptibility to, 1 (MHS1). Also called: RYR1-Related Malignant Hyperthermia Susceptibility; Anesthesia related hyperthermia; Malignant hyperpyrexia; Fulminating hyperpyrexia; Pharmacogenic myopathy; Malignant hyperthermia suceptibility 1. Identifiers: Orphanet 423, MedGen C2930980, MONDO:0007783, OMIM 145600.

Submission:

All of Us Research Program, National Institutes of Health
Classification: Uncertain significance for Malignant hyperthermia, susceptibility to, 1. Last evaluated: 2023-04-10. Review status: criteria provided, single submitter. Criteria: ACMG Guidelines, 2015. Collection method: clinical testing. Allele origin: germline. Inheritance: Autosomal dominant inheritance. Observed: 1 variant allele, 1 heterozygote.
Comment: This variant causes a G to A nucleotide substitution at the +1 position of intron 43 of the RYR1 gene. Splice site prediction tools suggest that this variant may have a significant impact on RNA splicing. Although this prediction has not been confirmed in published RNA studies, this variant is expected to result in an absent or disrupted protein product. This variant has not been reported in individuals affected with RYR1-related disorders in the literature. Loss of RYR1 function due to haploinsufficiency is associated with congenital myopathy, but it is not an established disease mechanism for autosomal dominant malignant hyperthermia susceptibility. This variant has not been identified in the general population by the Genome Aggregation Database (gnomAD). Due to insufficient evidence, this variant is classified as a Variant of Uncertain Significance for autosomal dominant malignant hyperthermia.

This study involves interpretation of variants in research participants for the purpose of population health screening. Participant phenotype was not available at the time of variant classification. Additional details can be found in publication PMID: 35346344, PMCID: PMC8962531

NM_000540.3(RYR1):c.7027+1G>A

Gene: RYR1 (ryanodine receptor 1; plus strand). Cytogenetic location: 19q13.2.
Variant type: single nucleotide variant.
Coding change: c.7027+1G>A on transcript NM_000540.3 (MANE Select); the canonical splice donor site of the intron after coding-DNA position 7027, G replaced by A.
Molecular consequence: splice donor variant.
Genome position (GRCh38, 1-based): chr19:38,499,244, G>A. VCF-style: chr19-38499244-G-A. GRCh37 (hg19) VCF-style: chr19-38989884-G-A.
Other names: c.7027+1G>A (NM_001042723.2).
Identifiers: ClinVar variation 3070442 (VCV003070442.1), dbSNP rs2514308961, ClinGen allele CA405667526.